The following is an entry in ClinVar:

ClinVar aggregate classification (germline): Uncertain significance (1 of 4 stars; one submission).

Conditions:
Muscular dystrophy-dystroglycanopathy (congenital with brain and eye anomalies), type A13. Also called: WALKER-WARBURG SYNDROME OR MUSCLE-EYE-BRAIN DISEASE, B3GNT1-RELATED; Muscular dystrophy-dystroglycanopathy (congenital with brain and eye anomalies), type a, 13. Identifiers: Orphanet 899, MedGen C3809042, MONDO:0014120, OMIM 615287.

Submission:

Labcorp Genetics (formerly Invitae), Labcorp
Classification: Uncertain significance for Muscular dystrophy-dystroglycanopathy (congenital with brain and eye anomalies), type A13. Last evaluated: 2022-11-22. Review status: criteria provided, single submitter. Criteria: Invitae Variant Classification Sherloc (09022015). Collection method: clinical testing. Allele origin: germline.
Comment: This variant is not present in population databases (gnomAD no frequency). This sequence change replaces cysteine, which is neutral and slightly polar, with arginine, which is basic and polar, at codon 354 of the B4GAT1 protein (p.Cys354Arg). This variant has not been reported in the literature in individuals affected with B4GAT1-related conditions. In summary, the available evidence is currently insufficient to determine the role of this variant in disease. Therefore, it has been classified as a Variant of Uncertain Significance. Advanced modeling of protein sequence and biophysical properties (such as structural, functional, and spatial information, amino acid conservation, physicochemical variation, residue mobility, and thermodynamic stability) performed at Invitae indicates that this missense variant is expected to disrupt B4GAT1 protein function. ClinVar contains an entry for this variant (Variation ID: 1464347).

NM_006876.3(B4GAT1):c.1060T>C (p.Cys354Arg)

Gene: B4GAT1 (beta-1,4-glucuronyltransferase 1; minus strand). Cytogenetic location: 11q13.2.
Variant type: single nucleotide variant.
Coding change: c.1060T>C on transcript NM_006876.3 (MANE Select); coding-DNA position 1060, T replaced by C.
Protein change: p.Cys354Arg; replaces cysteine 354 with arginine.
Molecular consequence: missense variant.
Genome position (GRCh38, 1-based): chr11:66,346,237, A>G on the plus strand (T>C on the coding strand, the complement: B4GAT1 is on the minus strand). VCF-style: chr11-66346237-A-G. GRCh37 (hg19) VCF-style: chr11-66113708-A-G.
Other names: short protein forms C354R.
Identifiers: ClinVar variation 1464347 (VCV001464347.8), dbSNP rs2134973952, ClinGen allele CA381417043.